The following is an entry in ClinVar:

NM_001039958.2(MESP2):c.306C>A (p.His102Gln)

Genes: MESP2 (mesoderm posterior bHLH transcription factor 2; plus strand), LOC130057891 (ATAC-STARR-seq lymphoblastoid silent region 6806; plus strand). Cytogenetic location: 15q26.1.
Variant type: single nucleotide variant.
Coding change: c.306C>A on transcript NM_001039958.2 (MANE Select); coding-DNA position 306, C replaced by A.
Protein change: p.His102Gln; replaces histidine 102 with glutamine.
Molecular consequence: missense variant.
Genome position (GRCh38, 1-based): chr15:89,776,663, C>A. VCF-style: chr15-89776663-C-A. GRCh37 (hg19) VCF-style: chr15-90319894-C-A.
Other names: short protein forms H102Q.
Identifiers: ClinVar variation 284850 (VCV000284850.26), dbSNP rs77473319, ClinGen allele CA7730388.

ClinVar aggregate classification (germline): Conflicting classifications of pathogenicity. Review status: criteria provided, conflicting classifications (1 of 4 stars). 7 submissions from 7 submitters: Uncertain significance (1); Benign (3); Likely benign (1). 2 of the submissions do not count toward it. Last evaluated 2026-01-28.

Conditions:
MESP2-related disorder. Also called: MESP2-related condition.
Spondylocostal dysostosis 2, autosomal recessive (SCDO2). Also called: MESP2-Related Spondylocostal Dysostosis, Autosomal Recessive; Spondylocostal dysostosis type 2. Identifiers: Orphanet 2311, MedGen C1837549, MONDO:0012097, OMIM 608681.

Allele frequency attached by ClinVar (database versions not stated): gnomAD 0.00013; TOPMed 0.00035; 1000 Genomes Project 30x 0.00375; 1000 Genomes Project 0.00379.
gnomAD v4.1: 766 of 1,537,036 alleles (0.05%); highest among the groups gnomAD compares: East Asian, 1.6%; 11 homozygotes.

Submissions (7):

Labcorp Genetics (formerly Invitae), Labcorp
Classification: Benign. Last evaluated: 2026-01-28. Review status: criteria provided, single submitter. Criteria: Invitae Variant Classification Sherloc (09022015). Collection method: clinical testing. Allele origin: germline.

Blueprint Genetics
Classification: Likely benign. Last evaluated: 2024-10-23. Review status: criteria provided, single submitter. Criteria: ACMG Guidelines, 2015. Collection method: clinical testing. Allele origin: germline.

GeneDx
Classification: Uncertain significance. Last evaluated: 2019-09-30. Review status: criteria provided, single submitter. Criteria: GeneDx Variant Classification Process June 2021. Collection method: clinical testing. Allele origin: germline. Affected: yes.
Comment: In silico analysis, which includes protein predictors and evolutionary conservation, supports a deleterious effect; Has not been previously published as pathogenic or benign to our knowledge

Illumina Laboratory Services, Illumina
Classification: Benign for Spondylocostal dysostosis 2, autosomal recessive. Last evaluated: 2018-01-13. Review status: criteria provided, single submitter. Criteria: ICSL Variant Classification Criteria 13 December 2019. Collection method: clinical testing. Allele origin: germline.
Comment: This variant was observed in the ICSL laboratory as part of a predisposition screen in an ostensibly healthy population. It had not been previously curated by ICSL or reported in the Human Gene Mutation Database (HGMD: prior to June 1st, 2018), and was therefore a candidate for classification through an automated scoring system. Utilizing variant allele frequency, disease prevalence and penetrance estimates, and inheritance mode, an automated score was calculated to assess if this variant is too frequent to cause the disease. Based on the score and internal cut-off values, a variant classified as benign is not then subjected to further curation. The score for this variant resulted in a classification of benign for this disease.

Eurofins Ntd Llc (ga)
Classification: Benign. Last evaluated: 2015-12-08. Review status: criteria provided, single submitter. Criteria: EGL Classification Definitions 2015. Collection method: clinical testing. Allele origin: germline. Observed: 1 variant allele, 1 heterozygote.

Natera, Inc.
Classification: Likely benign for Spondylocostal dysostosis type 2. Last evaluated: 2020-01-13. Review status: no assertion criteria provided. Collection method: clinical testing. Allele origin: germline. Not counted in ClinVar's aggregate classification.

PreventionGenetics, part of Exact Sciences
Classification: Likely benign for MESP2-related condition. Last evaluated: 2019-07-15. Review status: no assertion criteria provided. Collection method: clinical testing. Allele origin: germline. Not counted in ClinVar's aggregate classification.
Comment: This variant is classified as likely benign based on ACMG/AMP sequence variant interpretation guidelines (Richards et al. 2015 PMID: 25741868, with internal and published modifications).